The following is an entry in ClinVar:

NM_014000.3(VCL):c.1604G>A (p.Gly535Glu)

Gene: VCL (vinculin; plus strand). Cytogenetic location: 10q22.2.
Variant type: single nucleotide variant.
Coding change: c.1604G>A on transcript NM_014000.3 (MANE Select); coding-DNA position 1604, G replaced by A.
Protein change: p.Gly535Glu; replaces glycine 535 with glutamic acid.
Molecular consequence: missense variant.
Genome position (GRCh38, 1-based): chr10:74,095,716, G>A. VCF-style: chr10-74095716-G-A. GRCh37 (hg19) VCF-style: chr10-75855474-G-A.
Other names: c.1604G>A (NM_014000.2); c.1604G>A, p.Gly535Glu (NM_003373.4); short protein forms G535E.
Identifiers: ClinVar variation 1512660 (VCV001512660.8), dbSNP rs1342547968, ClinGen allele CA377274452.

ClinVar aggregate classification (germline): Uncertain significance. Review status: criteria provided, multiple submitters, no conflicts (2 of 4 stars). 3 submissions from 3 submitters: Uncertain significance (3). Last evaluated 2024-12-30.

Conditions:
Cardiovascular phenotype. Identifiers: MedGen CN230736.
Dilated cardiomyopathy 1W (CMD1W). Identifiers: Orphanet 154, MedGen C1969639, MONDO:0012667, OMIM 611407.

Allele frequency attached by ClinVar (database versions not stated): TOPMed below 0.00001; gnomAD 0.00001; gnomAD exomes 0.00001.
gnomAD v4.1: 4 of 1,614,034 alleles (0.00025%); highest among the groups gnomAD compares: Admixed American, 0.0017%; no homozygotes.

Submissions (3):

Labcorp Genetics (formerly Invitae), Labcorp
Classification: Uncertain significance for Dilated cardiomyopathy 1W. Last evaluated: 2024-12-30. Review status: criteria provided, single submitter. Criteria: Invitae Variant Classification Sherloc (09022015). Collection method: clinical testing. Allele origin: germline.
Comment: This sequence change replaces glycine, which is neutral and non-polar, with glutamic acid, which is acidic and polar, at codon 535 of the VCL protein (p.Gly535Glu). This variant is not present in population databases (gnomAD no frequency). This variant has not been reported in the literature in individuals affected with VCL-related conditions. ClinVar contains an entry for this variant (Variation ID: 1512660). An algorithm developed to predict the effect of missense changes on protein structure and function (PolyPhen-2) suggests that this variant is likely to be disruptive. In summary, the available evidence is currently insufficient to determine the role of this variant in disease. Therefore, it has been classified as a Variant of Uncertain Significance.

Blueprint Genetics
Classification: Uncertain significance. Last evaluated: 2023-03-28. Review status: criteria provided, single submitter. Criteria: ACMG Guidelines, 2015. Collection method: clinical testing. Allele origin: germline.

Ambry Genetics
Classification: Uncertain significance for Cardiovascular phenotype. Last evaluated: 2022-11-02. Review status: criteria provided, single submitter. Criteria: Ambry Variant Classification Scheme 2023. Collection method: clinical testing. Allele origin: germline.
Comment: The p.G535E variant (also known as c.1604G>A), located in coding exon 12 of the VCL gene, results from a G to A substitution at nucleotide position 1604. The glycine at codon 535 is replaced by glutamic acid, an amino acid with similar properties. This amino acid position is conserved. In addition, the in silico prediction for this alteration is inconclusive. Since supporting evidence is limited at this time, the clinical significance of this alteration remains unclear.